The following is an entry in ClinVar:

NM_020987.5(ANK3):c.2183A>T (p.Lys728Met)

Gene: ANK3 (ankyrin 3; minus strand). Cytogenetic location: 10q21.2.
Variant type: single nucleotide variant.
Coding change: c.2183A>T on transcript NM_020987.5 (MANE Select); coding-DNA position 2183, A replaced by T.
Protein change: p.Lys728Met; replaces lysine 728 with methionine.
Molecular consequence: missense variant.
Genome position (GRCh38, 1-based): chr10:60,181,330, T>A on the plus strand (A>T on the coding strand, the complement: ANK3 is on the minus strand). VCF-style: chr10-60181330-T-A. GRCh37 (hg19) VCF-style: chr10-61941088-T-A.
Other names: c.2165A>T, p.Lys722Met (NM_001204403.2); c.2132A>T, p.Lys711Met (NM_001204404.2); c.2183A>T, p.Lys728Met (NM_001320874.2); short protein forms K722M, K711M, K728M.
Identifiers: ClinVar variation 4577388 (VCV004577388.2).

ClinVar aggregate classification (germline): Uncertain significance. Review status: criteria provided, multiple submitters, no conflicts (2 of 4 stars). 2 submissions from 2 submitters: Uncertain significance (2). Last evaluated 2025-12-19.

Conditions:
Inborn genetic diseases. Identifiers: MedGen C0950123, MeSH D030342.

gnomAD v4.1: 39 of 1,613,918 alleles (0.0024%); highest among the groups gnomAD compares: Non-Finnish European, 0.0029%; no homozygotes.

Submissions (2):

Labcorp Genetics (formerly Invitae), Labcorp
Classification: Uncertain significance. Last evaluated: 2025-12-19. Review status: criteria provided, single submitter. Criteria: Invitae Variant Classification Sherloc (09022015). Collection method: clinical testing. Allele origin: germline.
Comment: This sequence change replaces lysine, which is basic and polar, with methionine, which is neutral and non-polar, at codon 728 of the ANK3 protein (p.Lys728Met). This variant is present in population databases (rs138539461, gnomAD 0.003%). This variant has not been reported in the literature in individuals affected with ANK3-related conditions. An algorithm developed to predict the effect of missense changes on protein structure and function (PolyPhen-2) suggests that this variant is likely to be disruptive. Algorithms developed to predict the effect of sequence changes on RNA splicing suggest that this variant may disrupt the consensus splice site. In summary, the available evidence is currently insufficient to determine the role of this variant in disease. Therefore, it has been classified as a Variant of Uncertain Significance.

Ambry Genetics
Classification: Uncertain significance for Inborn genetic diseases. Last evaluated: 2025-12-02. Review status: criteria provided, single submitter. Criteria: Ambry Variant Classification Scheme 2023. Collection method: clinical testing. Allele origin: germline.